The following is an entry in ClinVar:

ClinVar aggregate classification (germline): Uncertain significance (1 of 4 stars; one submission).

Submission:

CeGaT Center for Human Genetics Tuebingen
Classification: Uncertain significance. Last evaluated: 2022-07-01. Review status: criteria provided, single submitter. Criteria: CeGaT Center For Human Genetics Tuebingen Variant Classification Criteria Version 2. Collection method: clinical testing. Allele origin: germline. Affected: yes. Observed: 1 variant allele.
Comment: CLCN2: PM2, PP3

NM_004366.6(CLCN2):c.1495T>C (p.Tyr499His)

Gene: CLCN2 (chloride voltage-gated channel 2; minus strand). Cytogenetic location: 3q27.1.
Variant type: single nucleotide variant.
Coding change: c.1495T>C on transcript NM_004366.6 (MANE Select); coding-DNA position 1495, T replaced by C.
Protein change: p.Tyr499His; replaces tyrosine 499 with histidine.
Molecular consequence: missense variant.
Genome position (GRCh38, 1-based): chr3:184,354,560, A>G on the plus strand (T>C on the coding strand, the complement: CLCN2 is on the minus strand). VCF-style: chr3-184354560-A-G. GRCh37 (hg19) VCF-style: chr3-184072348-A-G.
Other names: c.1444T>C, p.Tyr482His (NM_001171087.3); c.1363T>C, p.Tyr455His (NM_001171088.3); c.1495T>C, p.Tyr499His (NM_001171089.3); short protein forms Y455H, Y482H, Y499H.
Identifiers: ClinVar variation 2654321 (VCV002654321.24), dbSNP rs2474244849, ClinGen allele CA355450279.